The following is an entry in ClinVar:

NM_003906.5(MCM3AP):c.618T>G (p.Asn206Lys)

Gene: MCM3AP (minichromosome maintenance complex component 3 associated protein; minus strand). Cytogenetic location: 21q22.3.
Variant type: single nucleotide variant.
Coding change: c.618T>G on transcript NM_003906.5 (MANE Select); coding-DNA position 618, T replaced by G.
Protein change: p.Asn206Lys; replaces asparagine 206 with lysine.
Molecular consequence: missense variant.
Genome position (GRCh38, 1-based): chr21:46,284,669, A>C on the plus strand (T>G on the coding strand, the complement: MCM3AP is on the minus strand). VCF-style: chr21-46284669-A-C. GRCh37 (hg19) VCF-style: chr21-47704583-A-C.
Other names: short protein forms N206K.
Identifiers: ClinVar variation 1435358 (VCV001435358.3), dbSNP rs946101700, ClinGen allele CA321980419.

ClinVar aggregate classification (germline): Uncertain significance (1 of 4 stars; one submission).

Allele frequency attached by ClinVar (database versions not stated): TOPMed 0.00001.
gnomAD v4.1: 4 of 1,614,184 alleles (0.00025%); highest among the groups gnomAD compares: Non-Finnish European, 0.00034%; no homozygotes.

Submission:

Labcorp Genetics (formerly Invitae), Labcorp
Classification: Uncertain significance. Last evaluated: 2022-08-16. Review status: criteria provided, single submitter. Criteria: Invitae Variant Classification Sherloc (09022015). Collection method: clinical testing. Allele origin: germline.
Comment: This sequence change replaces asparagine, which is neutral and polar, with lysine, which is basic and polar, at codon 206 of the MCM3AP protein (p.Asn206Lys). This variant is not present in population databases (gnomAD no frequency). This variant has not been reported in the literature in individuals affected with MCM3AP-related conditions. ClinVar contains an entry for this variant (Variation ID: 1435358). Algorithms developed to predict the effect of missense changes on protein structure and function (SIFT, PolyPhen-2, Align-GVGD) all suggest that this variant is likely to be tolerated. In summary, the available evidence is currently insufficient to determine the role of this variant in disease. Therefore, it has been classified as a Variant of Uncertain Significance.